The following is an entry in ClinVar:

ClinVar aggregate classification (germline): Uncertain significance (1 of 4 stars; one submission).

Conditions:
TBX1-related disorder. Also called: TBX1-Related Disorders; TBX1-related condition.

Submission:

PreventionGenetics, part of Exact Sciences
Classification: Uncertain significance for TBX1-related condition. Last evaluated: 2025-02-26. Review status: criteria provided, single submitter. Criteria: ACMG Guidelines, 2015. Collection method: clinical testing. Allele origin: germline.
Comment: The TBX1 c.146G>T variant is predicted to result in the amino acid substitution p.Arg49Leu. To our knowledge, this variant has not been reported in the literature or in a large population database (gnomAD), indicating this variant is rare. At this time, the clinical significance of this variant is uncertain due to the absence of conclusive functional and genetic evidence.

NM_001379200.1(TBX1):c.173G>T (p.Arg58Leu)

Gene: TBX1 (T-box transcription factor 1; plus strand). Cytogenetic location: 22q11.21.
Variant type: single nucleotide variant.
Coding change: c.173G>T on transcript NM_001379200.1 (MANE Select); coding-DNA position 173, G replaced by T.
Protein change: p.Arg58Leu; replaces arginine 58 with leucine.
Molecular consequence: missense variant.
Genome position (GRCh38, 1-based): chr22:19,761,016, G>T. VCF-style: chr22-19761016-G-T. GRCh37 (hg19) VCF-style: chr22-19748539-G-T.
Other names: c.146G>T, p.Arg49Leu (NM_005992.1, NM_080646.2, NM_080647.1); short protein forms R49L, R58L.
Identifiers: ClinVar variation 5000237 (VCV005000237.1).